The following is an entry in ClinVar:

NM_007194.4(CHEK2):c.1350A>C (p.Glu450Asp)

Gene: CHEK2 (checkpoint kinase 2; minus strand). Cytogenetic location: 22q12.1.
Variant type: single nucleotide variant.
Coding change: c.1350A>C on transcript NM_007194.4 (MANE Select); coding-DNA position 1350, A replaced by C.
Protein change: p.Glu450Asp; replaces glutamic acid 450 with aspartic acid.
Molecular consequence: missense variant.
Genome position (GRCh38, 1-based): chr22:28,695,152, T>G on the plus strand (A>C on the coding strand, the complement: CHEK2 is on the minus strand). VCF-style: chr22-28695152-T-G. GRCh37 (hg19) VCF-style: chr22-29091140-T-G.
Other names: c.1479A>C, p.Glu493Asp (NM_001005735.3); c.687A>C, p.Glu229Asp (NM_001257387.3); c.1149A>C, p.Glu383Asp (NM_001349956.3); c.1263A>C, p.Glu421Asp (NM_145862.3); short protein forms E229D, E383D, E421D, E450D, E493D.
Identifiers: ClinVar variation 1709143 (VCV001709143.2), dbSNP rs2517795527, ClinGen allele CA411095594.
Genomic context (GRCh38, chr22:28,695,152, plus strand): 5'-CATACCACAAATTCTTAACCCTTTCATATTCATACCTTTCTCTGAGACTTCTGCCCAGAC[T>G]TCAGGAATGAAGTTGTATTTTCCACTGGTGATCTGATCCTTCAGTGACACTTGAGTCCTA-3'
Protein context (NP_009125.1, residues 440-460): ITSGKYNFIP[Glu450Asp]VWAEVSEKAL

ClinVar aggregate classification (germline): Uncertain significance (1 of 4 stars; one submission).

Conditions:
Familial cancer of breast. Also called: hereditary breast carcinoma; Hereditary breast cancer; BREAST CANCER, FAMILIAL. Identifiers: Orphanet 227535, MedGen C0346153, MONDO:0016419, OMIM 114480. Disease mechanism: loss of function.

Submission:

MGZ Medical Genetics Center
Classification: Uncertain significance for Familial cancer of breast. Last evaluated: 2022-05-30. Review status: criteria provided, single submitter. Criteria: ACMG Guidelines, 2015. Collection method: clinical testing. Allele origin: germline. Affected: yes. Observed: 1 variant allele.
Comment: ACMG criteria applied: PM2_SUP, BP4